The following is an entry in ClinVar:

ClinVar aggregate classification (germline): Pathogenic (1 of 4 stars; one submission).

Conditions:
Lynch syndrome 5 (LYNCH5). Also called: Colorectal cancer, hereditary nonpolyposis, type 5; Hereditary non-polyposis colorectal cancer, type 5. Identifiers: Orphanet 144, MedGen C1833477, MONDO:0013710, OMIM 614350. Disease mechanism: loss of function.

Submission:

Myriad Genetics, Inc.
Classification: Pathogenic for Lynch syndrome 5. Last evaluated: 2023-08-24. Review status: criteria provided, single submitter. Criteria: Myriad Autosomal Dominant, Autosomal Recessive and X-Linked Classification Criteria (2023). Collection method: clinical testing. Allele origin: unknown.
Comment: This variant is considered pathogenic. This variant creates a frameshift predicted to result in premature protein truncation.

NM_000179.3(MSH6):c.3657dup (p.Ala1220fs)

Gene: MSH6 (mutS homolog 6; plus strand). Cytogenetic location: 2p16.3.
Variant type: Duplication.
Coding change: c.3657dup on transcript NM_000179.3 (MANE Select); coding-DNA position 3657, one base duplicated (T; older notation c.3657dupT).
Protein change: p.Ala1220fs; shifts the reading frame from alanine 1220.
Molecular consequence: frameshift variant. On other transcripts: non-coding transcript variant (5).
Genome position (GRCh38, 1-based): chr2:47,806,214, T duplicated. VCF-style (leftmost placement, unchanged base first): chr2-47806213-C-CT. GRCh37 (hg19) VCF-style: chr2-48033352-C-CT.
Other names: c.3267dup, p.Ala1090fs (NM_001281492.2); c.2751dup, p.Ala918fs (NM_001281493.2, NM_001281494.2, NM_001406811.1 and 6 more transcripts); c.3753dup, p.Ala1252fs (NM_001406795.1, NM_001406802.1); c.3657dup, p.Ala1220fs (NM_001406796.1, NM_001406800.1, NM_001406808.1 and 1 more transcripts); c.3360dup, p.Ala1121fs (NM_001406797.1, NM_001406801.1, NM_001406805.1 and 10 more transcripts); c.3483dup, p.Ala1162fs (NM_001406798.1); c.3132dup, p.Ala1045fs (NM_001406799.1, NM_001406806.1, NM_001406807.1); c.2793dup, p.Ala932fs (NM_001406803.1); and 7 more; short protein forms A1045fs, A1090fs, A1121fs, A1162fs, A1164fs, A1194fs, A1220fs, A1222fs.
Identifiers: ClinVar variation 2673740 (VCV002673740.1), dbSNP rs2530837993, ClinGen allele CA2695200595.